The following is an entry in ClinVar:

ClinVar aggregate classification (germline): Conflicting classifications of pathogenicity. Review status: criteria provided, conflicting classifications (1 of 4 stars). 2 submissions from 2 submitters: Uncertain significance (1); Likely benign (1). Last evaluated 2026-04-18.

Conditions:
Cardiovascular phenotype. Identifiers: MedGen CN230736.
Dilated cardiomyopathy 1KK (CMD1KK). Identifiers: Orphanet 154, Orphanet 75249, MedGen C3714995, MONDO:0014100, OMIM 615248.

Allele frequency attached by ClinVar (database versions not stated): gnomAD 0.00001; ExAC 0.00002; gnomAD exomes 0.00001 and 0.00002; TOPMed 0.00001.

Submissions (2):

Ambry Genetics
Classification: Likely benign for Cardiovascular phenotype. Last evaluated: 2026-04-18. Review status: criteria provided, single submitter. Criteria: Ambry Variant Classification Scheme 2023. Collection method: clinical testing. Allele origin: germline.

Labcorp Genetics (formerly Invitae), Labcorp
Classification: Uncertain significance for Dilated cardiomyopathy 1KK. Last evaluated: 2021-10-06. Review status: criteria provided, single submitter. Criteria: Invitae Variant Classification Sherloc (09022015). Collection method: clinical testing. Allele origin: germline.
Comment: This sequence change replaces threonine with alanine at codon 790 of the MYPN protein (p.Thr790Ala). The threonine residue is weakly conserved and there is a small physicochemical difference between threonine and alanine. In summary, the available evidence is currently insufficient to determine the role of this variant in disease. Therefore, it has been classified as a Variant of Uncertain Significance. Algorithms developed to predict the effect of missense changes on protein structure and function output the following: SIFT: "Tolerated"; PolyPhen-2: "Benign"; Align-GVGD: "Class C0". The alanine amino acid residue is found in multiple mammalian species, which suggests that this missense change does not adversely affect protein function. This variant has not been reported in the literature in individuals affected with MYPN-related conditions. This variant is present in population databases (rs780319735, ExAC 0.004%).

NM_032578.4(MYPN):c.2368A>G (p.Thr790Ala)

Gene: MYPN (myopalladin; plus strand). Cytogenetic location: 10q21.3.
Variant type: single nucleotide variant.
Coding change: c.2368A>G on transcript NM_032578.4 (MANE Select); coding-DNA position 2368, A replaced by G.
Protein change: p.Thr790Ala; replaces threonine 790 with alanine.
Molecular consequence: missense variant. On other transcripts: non-coding transcript variant (2).
Genome position (GRCh38, 1-based): chr10:68,174,460, A>G. VCF-style: chr10-68174460-A-G. GRCh37 (hg19) VCF-style: chr10-69934217-A-G.
Other names: c.2368A>G (NM_032578.2); c.2368A>G, p.Thr790Ala (NM_001256267.2); c.1486A>G, p.Thr496Ala (NM_001256268.2); short protein forms T496A, T790A.
Identifiers: ClinVar variation 1509061 (VCV001509061.6), dbSNP rs780319735, ClinGen allele CA5522777.
Genomic context (GRCh38, chr10:68,174,460, plus strand): 5'-GTGCAAACCAAATCTCCAGGAGGGCTTTCCATCCAAAATGAGCCACTCCCACCAGGCCCA[A>G]CAGAACCAACACCACCACCATTCACATTTTCCATCCCCAGCGGAAACCAGTTTCAGCCCC-3'
Protein context (NP_115967.2, residues 780-800): IQNEPLPPGP[Thr790Ala]EPTPPPFTFS